The following is an entry in ClinVar:

ClinVar aggregate classification (germline): Pathogenic/Likely pathogenic. Review status: criteria provided, multiple submitters, no conflicts (2 of 4 stars). 2 submissions from 2 submitters: Pathogenic (1); Likely pathogenic (1). Last evaluated 2023-09-15.

Conditions:
Severe combined immunodeficiency disease. Also called: Severe combined immunodeficiency; Severe Combined Immune Deficiency. Identifiers: Orphanet 183660, MedGen C0085110, MeSH D016511, MONDO:0015974, HP:0004430. Inheritance: X-Linked or Autosomal recessive.
Immunodeficiency 104. Also called: Severe combined immunodeficiency, autosomal recessive, T cell-negative, B cell-positive, NK cell-positive; SCID, AUTOSOMAL RECESSIVE, T CELL-NEGATIVE, B CELL-POSITIVE, NK CELL-POSITIVE; Severe Combined Immune Deficiency, Autosomal Recessive, TCell -Negative, B Cell-Positive, NK Cell-Positive, IL7R-Related; IMMUNODEFICIENCY 104, SEVERE COMBINED. Identifiers: MedGen C5676890, MONDO:0012163, OMIM 608971.

Submissions (2):

Labcorp Genetics (formerly Invitae), Labcorp
Classification: Pathogenic for Immunodeficiency 104. Last evaluated: 2023-09-15. Review status: criteria provided, single submitter. Criteria: Invitae Variant Classification Sherloc (09022015). Collection method: clinical testing. Allele origin: germline.
Comment: For these reasons, this variant has been classified as Pathogenic. ClinVar contains an entry for this variant (Variation ID: 2445731). This variant has not been reported in the literature in individuals affected with IL7R-related conditions. This variant is not present in population databases (gnomAD no frequency). This sequence change creates a premature translational stop signal (p.Leu263*) in the IL7R gene. It is expected to result in an absent or disrupted protein product. Loss-of-function variants in IL7R are known to be pathogenic (PMID: 21664875, 26123418).

Women's Health and Genetics/Laboratory Corporation of America, LabCorp
Classification: Likely pathogenic for Severe combined immunodeficiency disease. Last evaluated: 2023-02-06. Review status: criteria provided, single submitter. Criteria: LabCorp Variant Classification Summary - May 2015. Collection method: clinical testing. Allele origin: germline.
Comment: Variant summary: IL7R c.788T>A (p.Leu263X) results in a premature termination codon, predicted to cause a truncation of the encoded protein or absence of the protein due to nonsense mediated decay, which are commonly known mechanisms for disease. Truncations downstream of this position have been reported as associated with primary and severe combined immunodeficiency in HGMD. The variant was absent in 251410 control chromosomes. c.788T>A has been reported in the literature in at least one individual affected with congenital heart disease (e.g., Morton_2021). This report does not provide conclusions about association of the variant with Severe Combined Immunodeficiency. To our knowledge, no experimental evidence demonstrating an impact on protein function has been reported. No clinical diagnostic laboratories have submitted clinical-significance assessments for this variant to ClinVar after 2014. Based on the evidence outlined above, the variant was classified as likely pathogenic.

Literature cited by the submitters: PubMed 21664875 (cited by Labcorp Genetics (formerly Invitae), Labcorp); PubMed 26123418 (cited by Labcorp Genetics (formerly Invitae), Labcorp); PubMed 33084842 (cited by Women's Health and Genetics/Laboratory Corporation of America, LabCorp).

NM_002185.5(IL7R):c.788T>A (p.Leu263Ter)

Gene: IL7R (interleukin 7 receptor; plus strand). Cytogenetic location: 5p13.2.
Variant type: single nucleotide variant.
Coding change: c.788T>A on transcript NM_002185.5 (MANE Select); coding-DNA position 788, T replaced by A.
Protein change: p.Leu263Ter; replaces leucine 263 with a stop codon.
Molecular consequence: nonsense.
Genome position (GRCh38, 1-based): chr5:35,874,530, T>A. VCF-style: chr5-35874530-T-A. GRCh37 (hg19) VCF-style: chr5-35874632-T-A.
Other names: c.788T>A (NM_002185.3); short protein forms L263*.
Identifiers: ClinVar variation 2445731 (VCV002445731.4), dbSNP rs1369125529, ClinGen allele CA359431799.
Genomic context (GRCh38, chr5:35,874,530, plus strand): 5'-TAACCATCAGCATTTTGAGTTTTTTCTCTGTCGCTCTGTTGGTCATCTTGGCCTGTGTGT[T>A]ATGGAAAAAAAGGTGACCTTCTTCAACTAATAAAGAGGGTGATTGTGTGGGATCACGGAC-3'